The following is an entry in ClinVar:

NM_001195263.2(PDZD7):c.2024A>G (p.Tyr675Cys)

Gene: PDZD7 (PDZ domain containing 7; minus strand). Cytogenetic location: 10q24.31.
Variant type: single nucleotide variant.
Coding change: c.2024A>G on transcript NM_001195263.2 (MANE Select); coding-DNA position 2024, A replaced by G.
Protein change: p.Tyr675Cys; replaces tyrosine 675 with cysteine.
Molecular consequence: missense variant.
Genome position (GRCh38, 1-based): chr10:101,010,865, T>C on the plus strand (A>G on the coding strand, the complement: PDZD7 is on the minus strand). VCF-style: chr10-101010865-T-C. GRCh37 (hg19) VCF-style: chr10-102770622-T-C.
Other names: short protein forms Y675C.
Identifiers: ClinVar variation 1346839 (VCV001346839.8), dbSNP rs886371702, ClinGen allele CA212978977.

ClinVar aggregate classification (germline): Uncertain significance (1 of 4 stars; one submission).

Allele frequency attached by ClinVar (database versions not stated): gnomAD 0.00001; TOPMed 0.00001.

Submission:

Labcorp Genetics (formerly Invitae), Labcorp
Classification: Uncertain significance. Last evaluated: 2021-06-16. Review status: criteria provided, single submitter. Criteria: Invitae Variant Classification Sherloc (09022015). Collection method: clinical testing. Allele origin: germline.
Comment: This sequence change replaces tyrosine with cysteine at codon 675 of the PDZD7 protein (p.Tyr675Cys). The tyrosine residue is weakly conserved and there is a large physicochemical difference between tyrosine and cysteine. The frequency data for this variant in the population databases is considered unreliable, as metrics indicate insufficient coverage at this position in the ExAC database. This variant has not been reported in the literature in individuals with PDZD7-related conditions. Algorithms developed to predict the effect of missense changes on protein structure and function are either unavailable or do not agree on the potential impact of this missense change (SIFT: "Tolerated"; PolyPhen-2: "Not Available"; Align-GVGD: "Class C0"). In summary, the available evidence is currently insufficient to determine the role of this variant in disease. Therefore, it has been classified as a Variant of Uncertain Significance.